The following is an entry in ClinVar:

NM_000381.4(MID1):c.378del (p.Ala127fs)

Gene: MID1 (midline 1; minus strand). Cytogenetic location: Xp22.2.
Variant type: Deletion.
Coding change: c.378del on transcript NM_000381.4 (MANE Select); coding-DNA position 378, one base deleted (T; older notation c.378delT).
Protein change: p.Ala127fs; shifts the reading frame from alanine 127.
Molecular consequence: frameshift variant.
Genome position (GRCh38, 1-based): chrX:10,567,170, A deleted on the plus strand (T on the coding strand, the reverse complement: MID1 is on the minus strand). VCF-style (leftmost placement, unchanged base first): chrX-10567169-CA-C. GRCh37 (hg19) VCF-style: chrX-10535209-CA-C.
Other names: c.378del, p.Ala127fs (NM_001193280.1, NM_001347733.2, NM_033289.2 and 5 more transcripts); short protein forms A127fs.
Identifiers: ClinVar variation 4855445 (VCV004855445.1).
Genomic context (GRCh38, chrX:10,567,169, plus strand): 5'-TCAGGCACTCGTCACAGTAGGATACTTCACAAGTGACACAGGTCTTCACAGCGTCCTGGG[CA>C]GGATCCTGGTCACAAAACTGGCAGAGGACCTTCTCGGCGGAGGTCATGGTGTTGGCGTCA-3'

ClinVar aggregate classification (germline): Likely pathogenic (1 of 4 stars; one submission).

Conditions:
X-linked Opitz G/BBB syndrome (GBBB). Also called: Opitz-Frias syndrome; OPITZ BBBG SYNDROME, TYPE I; OPITZ SYNDROME, X-LINKED; OPITZ-G SYNDROME, TYPE I; MID1-Related Opitz G/BBB Syndrome. Identifiers: Orphanet 2745, MedGen C2936904, MONDO:0010222, OMIM 300000.

Submission:

3billion
Classification: Likely pathogenic for X-linked Opitz G/BBB syndrome. Last evaluated: 2025-06-05. Review status: criteria provided, single submitter. Criteria: ACMG Guidelines, 2015. Collection method: clinical testing. Allele origin: germline. Affected: yes.
Comment: The variant is not observed in the gnomAD v4.1.0 dataset. Predicted Consequence/Location: Frameshift: predicted to result in a loss or disruption of normal protein function through nonsense-mediated decay (NMD) or protein truncation. Multiple pathogenic variants are reported downstream of the variant. Therefore, this variant is classified as Likely pathogenic according to the recommendation of ACMG/AMP guideline.